The following is an entry in ClinVar:

ClinVar aggregate classification (germline): Uncertain significance. Review status: criteria provided, multiple submitters, no conflicts (2 of 4 stars). 3 submissions from 3 submitters: Uncertain significance (3). Last evaluated 2026-04-17.

Conditions:
Cardiovascular phenotype. Identifiers: MedGen CN230736.

Submissions (3):

Women's Health and Genetics/Laboratory Corporation of America, LabCorp
Classification: Uncertain significance. Last evaluated: 2026-04-17. Review status: criteria provided, single submitter. Criteria: LabCorp Variant Classification Summary - May 2015. Collection method: clinical testing. Allele origin: germline.
Comment: Variant summary: TNXB c.3763_3764delinsGA (p.Arg1255Asp) results in a non-conservative amino acid change in the encoded protein sequence. Algorithms developed to predict the effect of missense changes on protein structure and function are either unavailable or do not agree on the potential impact of this missense change. The frequency data for this variant in gnomAD is considered unreliable, as metrics indicate poor data quality at this position. To our knowledge, no occurrence of c.3763_3764delinsGA in individuals affected with TNXB-related conditions and no experimental evidence demonstrating its impact on protein function have been reported. ClinVar contains an entry for this variant (Variation ID: 1211066). Based on the evidence outlined above, the variant was classified as uncertain significance.

Ambry Genetics
Classification: Uncertain significance for Cardiovascular phenotype. Last evaluated: 2024-05-17. Review status: criteria provided, single submitter. Criteria: Ambry Variant Classification Scheme 2023. Collection method: clinical testing. Allele origin: germline.
Comment: The c.3763_3764delCGinsGA variant, located in coding exon 9 of the TNXB gene, results from an in-frame deletion of CG and insertion of GA at nucleotide positions 3763 to 3764. This results in the substitution of the arginine residue for an aspartic acid residue at codon 1255, an amino acid with similar properties. This amino acid position is not well conserved in available vertebrate species. In addition, this alteration is predicted to be neutral by in silico analysis (Choi Y et al. PLoS ONE. 2012; 7(10):e46688). Based on the available evidence, the clinical significance of this variant remains unclear.

GeneDx
Classification: Uncertain significance. Last evaluated: 2020-08-12. Review status: criteria provided, single submitter. Criteria: GeneDx Variant Classification Process June 2021. Collection method: clinical testing. Allele origin: germline. Affected: yes.
Comment: Has not been previously published as pathogenic or benign to our knowledge; Not observed in large population cohorts (Lek et al., 2016); In silico analysis, which includes protein predictors and evolutionary conservation, supports that this variant does not alter protein structure/function

NM_001365276.2(TNXB):c.3763_3764delinsGA (p.Arg1255Asp)

Gene: TNXB (tenascin XB; minus strand). Cytogenetic location: 6p21.33.
Variant type: Indel.
Coding change: c.3763_3764delinsGA on transcript NM_001365276.2 (MANE Select); coding-DNA positions 3763 to 3764, CG replaced by GA.
Protein change: p.Arg1255Asp; replaces arginine 1255 with aspartic acid.
Molecular consequence: missense variant.
Genome position (GRCh38, 1-based): chr6:32,081,646-32,081,647, CG replaced by TC on the plus strand (CG replaced by GA on the coding strand, the reverse complement: TNXB is on the minus strand). VCF-style: chr6-32081646-CG-TC. GRCh37 (hg19) VCF-style: chr6-32049423-CG-TC.
Other names: c.3763_3764delinsGA, p.Arg1255Asp (NM_019105.8); c.3763_3764delCGinsGA (NM_019105.6); short protein forms R1255D.
Identifiers: ClinVar variation 1211066 (VCV001211066.5), dbSNP rs2127255245, ClinGen allele CA2499218212.
Genomic context (GRCh38, chr6:32,081,646, plus strand): 5'-TCTGGGGTCACGCCGGTCACTGTCAGTTCCCCCAGGAGGGGCTGCTCCAGGAACTCAGGG[CG>TC]GGGGGGCTCCTCTTTCCTCTCTGGAGCTGTAAACAAGGAGATCCAGCCAGGTGCTGAACT-3'
Protein context (NP_001352205.1, residues 1245-1265): TAPERKEEPP[Arg1255Asp]PEFLEQPLLG